The following is an entry in ClinVar:

ClinVar aggregate classification (germline): Uncertain significance (1 of 4 stars; one submission).

Conditions:
Familial thoracic aortic aneurysm and aortic dissection (TAAD). Also called: Thoracic aortic aneurysms and dissections. Identifiers: Orphanet 91387, MedGen C4707243, MONDO:0019625.

Submission:

Ambry Genetics
Classification: Uncertain significance for Familial thoracic aortic aneurysm and aortic dissection. Last evaluated: 2025-07-22. Review status: criteria provided, single submitter. Criteria: Ambry Variant Classification Scheme 2023. Collection method: clinical testing. Allele origin: germline.
Comment: The c.690C>T variant (also known as p.H230H), located in coding exon 4 of the TGFB3 gene, results from a C to T substitution at nucleotide position 690. This nucleotide substitution does not change the amino acid at codon 230. This nucleotide position is well conserved in available vertebrate species. In silico splice site analysis predicts that this alteration may result in the creation or strengthening of a novel splice acceptor site. Based on the available evidence, the clinical significance of this variant remains unclear.

NM_003239.5(TGFB3):c.690C>T (p.His230=)

Gene: TGFB3 (transforming growth factor beta 3; minus strand). Cytogenetic location: 14q24.3.
Variant type: single nucleotide variant.
Coding change: c.690C>T on transcript NM_003239.5 (MANE Select); coding-DNA position 690, C replaced by T.
Protein change: p.His230=; no amino-acid change (histidine 230 retained).
Molecular consequence: synonymous variant.
Genome position (GRCh38, 1-based): chr14:75,965,652, G>A on the plus strand (C>T on the coding strand, the complement: TGFB3 is on the minus strand). VCF-style: chr14-75965652-G-A. GRCh37 (hg19) VCF-style: chr14-76431995-G-A.
Other names: c.690C>T, p.His230= (NM_001329938.2, NM_001329939.2).
Identifiers: ClinVar variation 4183552 (VCV004183552.1).